The following is an entry in ClinVar:

ClinVar aggregate classification (germline): Likely pathogenic. Review status: criteria provided, multiple submitters, no conflicts (2 of 4 stars). 3 submissions from 3 submitters: Likely pathogenic (3). Last evaluated 2025-12-17.

Conditions:
Werner syndrome (WRN). Identifiers: Orphanet 902, MedGen C0043119, MONDO:0010196, OMIM 277700.

Allele frequency attached by ClinVar (database versions not stated): gnomAD 0.00001; gnomAD exomes 0.00001.
gnomAD v4.1: 12 of 1,612,386 alleles (0.00074%); highest among the groups gnomAD compares: Admixed American, 0.0083%; no homozygotes.

Submissions (3):

Labcorp Genetics (formerly Invitae), Labcorp
Classification: Likely pathogenic for Werner syndrome. Last evaluated: 2025-12-17. Review status: criteria provided, single submitter. Criteria: Invitae Variant Classification Sherloc (09022015). Collection method: clinical testing. Allele origin: germline.
Comment: This sequence change affects an acceptor splice site in intron 10 of the WRN gene. It is expected to disrupt RNA splicing. Variants that disrupt the donor or acceptor splice site typically lead to a loss of protein function (PMID: 16199547), and loss-of-function variants in WRN are known to be pathogenic (PMID: 16673358). This variant is present in population databases (no rsID available, gnomAD 0.006%). This variant has not been reported in the literature in individuals affected with WRN-related conditions. ClinVar contains an entry for this variant (Variation ID: 802396). Algorithms developed to predict the effect of sequence changes on RNA splicing suggest that this variant may disrupt the consensus splice site. In summary, the currently available evidence indicates that the variant is pathogenic, but additional data are needed to prove that conclusively. Therefore, this variant has been classified as Likely Pathogenic.

Fulgent Genetics
Classification: Likely pathogenic for Werner syndrome. Last evaluated: 2021-10-13. Review status: criteria provided, single submitter. Criteria: ACMG Guidelines, 2015. Collection method: clinical testing. Allele origin: unknown.

Mendelics
Classification: Likely pathogenic for Werner syndrome. Last evaluated: 2019-05-28. Review status: criteria provided, single submitter. Criteria: Mendelics Assertion Criteria 2017. Collection method: clinical testing. Allele origin: unknown.

Literature cited by the submitters: PubMed 16199547 (cited by Labcorp Genetics (formerly Invitae), Labcorp); PubMed 16673358 (cited by Labcorp Genetics (formerly Invitae), Labcorp).

NM_000553.6(WRN):c.1351-1G>A

Gene: WRN (WRN RecQ like helicase; plus strand). Cytogenetic location: 8p12.
Variant type: single nucleotide variant.
Coding change: c.1351-1G>A on transcript NM_000553.6 (MANE Select); the canonical splice acceptor site of the intron before coding-DNA position 1351, G replaced by A.
Molecular consequence: splice acceptor variant.
Genome position (GRCh38, 1-based): chr8:31,085,165, G>A. VCF-style: chr8-31085165-G-A. GRCh37 (hg19) VCF-style: chr8-30942681-G-A.
Identifiers: ClinVar variation 802396 (VCV000802396.7), dbSNP rs1170732591, ClinGen allele CA370923634.